The following is an entry in ClinVar:

ClinVar aggregate classification (germline): Likely benign (0 of 4 stars; one submission).

Conditions:
PLXNA3-related disorder. Also called: PLXNA3-related condition.

Allele frequency attached by ClinVar (database versions not stated): ESP Exome Variant Server 0.00028; gnomAD 0.00029; gnomAD exomes 0.00030; ExAC 0.00039; TOPMed 0.00040.
gnomAD v4.1: 362 of 1,211,590 alleles (0.03%); highest among the groups gnomAD compares: African/African-American, 0.066%; 1 homozygote.

Submission:

PreventionGenetics, part of Exact Sciences
Classification: Likely benign for PLXNA3-related condition. Last evaluated: 2019-07-12. Review status: no assertion criteria provided. Collection method: clinical testing. Allele origin: germline.
Comment: This variant is classified as likely benign based on ACMG/AMP sequence variant interpretation guidelines (Richards et al. 2015 PMID: 25741868, with internal and published modifications).

NM_017514.5(PLXNA3):c.705C>T (p.Phe235=)

Gene: PLXNA3 (plexin A3; plus strand). Cytogenetic location: Xq28.
Variant type: single nucleotide variant.
Coding change: c.705C>T on transcript NM_017514.5 (MANE Select); coding-DNA position 705, C replaced by T.
Protein change: p.Phe235=; no amino-acid change (phenylalanine 235 retained).
Molecular consequence: synonymous variant.
Genome position (GRCh38, 1-based): chrX:154,461,209, C>T. VCF-style: chrX-154461209-C-T. GRCh37 (hg19) VCF-style: chrX-153689549-C-T.
Identifiers: ClinVar variation 3049567 (VCV003049567.2), dbSNP rs148620908, ClinGen allele CA10563789.